The following is an entry in ClinVar:

ClinVar aggregate classification (germline): Uncertain significance. Review status: criteria provided, multiple submitters, no conflicts (2 of 4 stars). 2 submissions from 2 submitters: Uncertain significance (2). Last evaluated 2025-06-12.

gnomAD v4.1: 174 of 1,613,982 alleles (0.011%); highest among the groups gnomAD compares: Middle Eastern, 0.033%; no homozygotes.

Submissions (2):

Labcorp Genetics (formerly Invitae), Labcorp
Classification: Uncertain significance. Last evaluated: 2025-06-12. Review status: criteria provided, single submitter. Criteria: Invitae Variant Classification Sherloc (09022015). Collection method: clinical testing. Allele origin: germline.
Comment: This sequence change replaces glutamic acid, which is acidic and polar, with lysine, which is basic and polar, at codon 1176 of the KANK1 protein (p.Glu1176Lys). This variant is present in population databases (rs200239036, gnomAD 0.01%). This variant has not been reported in the literature in individuals affected with KANK1-related conditions. ClinVar contains an entry for this variant (Variation ID: 2175123). Invitae Evidence Modeling of protein sequence and biophysical properties (such as structural, functional, and spatial information, amino acid conservation, physicochemical variation, residue mobility, and thermodynamic stability) indicates that this missense variant is expected to disrupt KANK1 protein function with a positive predictive value of 80%. In summary, the available evidence is currently insufficient to determine the role of this variant in disease. Therefore, it has been classified as a Variant of Uncertain Significance.

Ambry Genetics
Classification: Uncertain significance. Last evaluated: 2023-03-06. Review status: criteria provided, single submitter. Criteria: Ambry Variant Classification Scheme 2023. Collection method: clinical testing. Allele origin: germline.

NM_015158.5(KANK1):c.3526G>A (p.Glu1176Lys)

Genes: KANK1 (KN motif and ankyrin repeat domains 1; plus strand), LOC126860554 (MED14-independent group 3 enhancer GRCh37_chr9:737889-739088; plus strand). Cytogenetic location: 9p24.3.
Variant type: single nucleotide variant.
Coding change: c.3526G>A on transcript NM_015158.5 (MANE Select); coding-DNA position 3526, G replaced by A.
Protein change: p.Glu1176Lys; replaces glutamic acid 1176 with lysine.
Molecular consequence: missense variant. On other transcripts: non-coding transcript variant (1).
Genome position (GRCh38, 1-based): chr9:738,477, G>A. VCF-style: chr9-738477-G-A. GRCh37 (hg19) VCF-style: chr9-738477-G-A.
Other names: c.3526G>A, p.Glu1176Lys (NM_001256876.3, NM_001256877.3, NM_001354334.2); c.3286G>A, p.Glu1096Lys (NM_001354331.2); c.3472G>A, p.Glu1158Lys (NM_001354332.2); c.3052G>A, p.Glu1018Lys (NM_001354333.2, NM_001354335.2, NM_001354337.2 and 2 more transcripts); c.2758G>A, p.Glu920Lys (NM_001354336.2); c.2998G>A, p.Glu1000Lys (NM_001354338.2, NM_001354340.2, NM_001354344.2); c.2812G>A, p.Glu938Lys (NM_001354339.2, NM_001354342.2, NM_001354343.2); c.3526G>A (NM_015158.2); short protein forms E1158K, E938K, E1018K, E1096K, E920K, E1000K, E1176K.
Identifiers: ClinVar variation 2175123 (VCV002175123.6), dbSNP rs200239036, ClinGen allele CA4960988.
Genomic context (GRCh38, chr9:738,477, plus strand): 5'-AACTTGGCAGACGGCAACGGCAACACAGCCCTCCATTACAGCGTGTCCCACTCCAACTTC[G>A]AGATTGTGAAGCTGCTGTTAGATGCCGGTATGTTGGCTGCCCTTCCACCCTCTCTTCTCT-3'
Protein context (NP_055973.2, residues 1166-1186): LHYSVSHSNF[Glu1176Lys]IVKLLLDADV